The following is an entry in ClinVar:

ClinVar aggregate classification (germline): Conflicting classifications of pathogenicity. Review status: criteria provided, conflicting classifications (1 of 4 stars). 3 submissions from 3 submitters: Uncertain significance (2); Likely benign (1). Last evaluated 2023-12-13.

Conditions:
Retinoblastoma (RB1). Also called: RETINOBLASTOMA, SOMATIC. Identifiers: Orphanet 790, MedGen C0035335, MeSH D012175, MONDO:0008380, OMIM 180200, HP:0009919. Disease mechanism: loss of function. Inheritance: Both sporadic and heritable forms are tested..
Hereditary cancer-predisposing syndrome. Also called: Tumor predisposition; Hereditary Cancer Syndrome; Hereditary neoplastic syndrome; Neoplastic Syndromes, Hereditary. Identifiers: Orphanet 140162, MedGen C0027672, MeSH D009386, MONDO:0015356.

Allele frequency attached by ClinVar (database versions not stated): gnomAD exomes below 0.00001; TOPMed below 0.00001; gnomAD 0.00001.
gnomAD v4.1: 4 of 1,606,052 alleles (0.00025%); highest among the groups gnomAD compares: Non-Finnish European, 0.00034%; no homozygotes.

Submissions (3):

All of Us Research Program, National Institutes of Health
Classification: Uncertain significance for Retinoblastoma. Last evaluated: 2023-12-13. Review status: criteria provided, single submitter. Criteria: ACMG Guidelines, 2015. Collection method: clinical testing. Allele origin: germline. Inheritance: Autosomal dominant inheritance. Observed: 2 variant alleles, 2 heterozygotes.
Comment: This missense variant replaces glutamic acid with glutamine at codon 50 of the RB1 protein. Computational prediction suggests that this variant may not impact protein structure and function (internally defined REVEL score threshold <= 0.5, PMID: 27666373). To our knowledge, functional studies have not been reported for this variant. This variant has not been reported in individuals affected with RB1-related disorders in the literature. This variant has been identified in 2/31388 chromosomes in the general population by the Genome Aggregation Database (gnomAD). The available evidence is insufficient to determine the role of this variant in disease conclusively. Therefore, this variant is classified as a Variant of Uncertain Significance.

This study involves interpretation of variants in research participants for the purpose of population health screening. Participant phenotype was not available at the time of variant classification. Additional details can be found in publication PMID: 35346344, PMCID: PMC8962531

Labcorp Genetics (formerly Invitae), Labcorp
Classification: Uncertain significance for Retinoblastoma. Last evaluated: 2022-11-25. Review status: criteria provided, single submitter. Criteria: Invitae Variant Classification Sherloc (09022015). Collection method: clinical testing. Allele origin: germline.
Comment: In summary, the available evidence is currently insufficient to determine the role of this variant in disease. Therefore, it has been classified as a Variant of Uncertain Significance. Algorithms developed to predict the effect of missense changes on protein structure and function (SIFT, PolyPhen-2, Align-GVGD) all suggest that this variant is likely to be tolerated. ClinVar contains an entry for this variant (Variation ID: 410937). This variant has not been reported in the literature in individuals affected with RB1-related conditions. This variant is present in population databases (no rsID available, gnomAD 0.01%). This sequence change replaces glutamic acid, which is acidic and polar, with glutamine, which is neutral and polar, at codon 50 of the RB1 protein (p.Glu50Gln).

Ambry Genetics
Classification: Likely benign for Hereditary cancer-predisposing syndrome. Last evaluated: 2021-07-15. Review status: criteria provided, single submitter. Criteria: Ambry Variant Classification Scheme 2023. Collection method: clinical testing. Allele origin: germline.

NM_000321.3(RB1):c.148G>C (p.Glu50Gln)

Gene: RB1 (RB transcriptional corepressor 1; plus strand). Cytogenetic location: 13q14.2.
Variant type: single nucleotide variant.
Coding change: c.148G>C on transcript NM_000321.3 (MANE Select); coding-DNA position 148, G replaced by C.
Protein change: p.Glu50Gln; replaces glutamic acid 50 with glutamine.
Molecular consequence: missense variant.
Genome position (GRCh38, 1-based): chr13:48,307,290, G>C. VCF-style: chr13-48307290-G-C. GRCh37 (hg19) VCF-style: chr13-48881426-G-C.
Other names: short protein forms E50Q.
Identifiers: ClinVar variation 410937 (VCV000410937.12), dbSNP rs1060503085, ClinGen allele CA16614037.
Genomic context (GRCh38, chr13:48,307,290, plus strand): 5'-AATTTGATTTATAAGTATATGCCAATTATATGATTATTTTCATTTGGTAGGCTTGAGTTT[G>C]AAGAAACAGAAGAACCTGATTTTACTGCATTATGTCAGAAATTAAAGATACCAGATCATG-3'
Protein context (NP_000312.2, residues 40-60): EDLPLVRLEF[Glu50Gln]ETEEPDFTAL